The following is an entry in ClinVar:

NM_001282933.2(ZNF341):c.1462G>A (p.Asp488Asn)

Gene: ZNF341 (zinc finger protein 341; plus strand). Cytogenetic location: 20q11.22.
Variant type: single nucleotide variant.
Coding change: c.1462G>A on transcript NM_001282933.2 (MANE Select); coding-DNA position 1462, G replaced by A.
Protein change: p.Asp488Asn; replaces aspartic acid 488 with asparagine.
Molecular consequence: missense variant. On other transcripts: non-coding transcript variant (1).
Genome position (GRCh38, 1-based): chr20:33,770,132, G>A. VCF-style: chr20-33770132-G-A. GRCh37 (hg19) VCF-style: chr20-32357938-G-A.
Other names: c.1192G>A, p.Asp398Asn (NM_001282935.2); c.1441G>A, p.Asp481Asn (NM_032819.5); short protein forms D488N, D398N, D481N.
Identifiers: ClinVar variation 4697432 (VCV004697432.1).
Genomic context (GRCh38, chr20:33,770,132, plus strand): 5'-TCTTCCCTCAAGGTGTACAAGTGTGTGGTCAAAAGCTGTGCCCAGACGTTCCCAAAGCTC[G>A]ACACATTTCTGGAGCACATCAAGAGCCACCAGGAGGAGCTGAGCTACCGCTGCCACCTCT-3'
Protein context (NP_001269862.1, residues 478-498): KSCAQTFPKL[Asp488Asn]TFLEHIKSHQ

ClinVar aggregate classification (germline): Uncertain significance (1 of 4 stars; one submission).

gnomAD v4.1: 21 of 1,613,894 alleles (0.0013%); highest among the groups gnomAD compares: East Asian, 0.0067%; no homozygotes.

Submission:

Labcorp Genetics (formerly Invitae), Labcorp
Classification: Uncertain significance. Last evaluated: 2025-02-04. Review status: criteria provided, single submitter. Criteria: Invitae Variant Classification Sherloc (09022015). Collection method: clinical testing. Allele origin: germline.
Comment: This sequence change replaces aspartic acid, which is acidic and polar, with asparagine, which is neutral and polar, at codon 481 of the ZNF341 protein (p.Asp481Asn). This variant is present in population databases (rs770983729, gnomAD 0.01%). This variant has not been reported in the literature in individuals affected with ZNF341-related conditions. An algorithm developed to predict the effect of missense changes on protein structure and function (PolyPhen-2) suggests that this variant is likely to be tolerated. In summary, the available evidence is currently insufficient to determine the role of this variant in disease. Therefore, it has been classified as a Variant of Uncertain Significance.